The following is an entry in ClinVar:

ClinVar aggregate classification (germline): Uncertain significance (1 of 4 stars; one submission).

Conditions:
Inborn genetic diseases. Identifiers: MedGen C0950123, MeSH D030342.

Submission:

Ambry Genetics
Classification: Uncertain significance for Inborn genetic diseases. Last evaluated: 2025-05-01. Review status: criteria provided, single submitter. Criteria: Ambry Variant Classification Scheme 2023. Collection method: clinical testing. Allele origin: germline.
Comment: The p.E435V variant (also known as c.1304A>T), located in coding exon 8 of the ETV6 gene, results from an A to T substitution at nucleotide position 1304. The glutamic acid at codon 435 is replaced by valine, an amino acid with dissimilar properties. This amino acid position is conserved. In addition, the in silico prediction for this alteration is inconclusive. Based on the available evidence, the clinical significance of this variant remains unclear.

NM_001987.5(ETV6):c.1304A>T (p.Glu435Val)

Gene: ETV6 (ETS variant transcription factor 6; plus strand). Cytogenetic location: 12p13.2.
Variant type: single nucleotide variant.
Coding change: c.1304A>T on transcript NM_001987.5 (MANE Select); coding-DNA position 1304, A replaced by T.
Protein change: p.Glu435Val; replaces glutamic acid 435 with valine.
Molecular consequence: missense variant. On other transcripts: 3 prime UTR variant (1).
Genome position (GRCh38, 1-based): chr12:11,890,991, A>T. VCF-style: chr12-11890991-A-T. GRCh37 (hg19) VCF-style: chr12-12043925-A-T.
Other names: c.1301A>T, p.Glu434Val (NM_001413913.1); c.1277A>T, p.Glu426Val (NM_001413914.1); c.1040A>T, p.Glu347Val (NM_001413915.1); c.*43A>T (NM_001413917.1); short protein forms E347V, E435V, E426V, E434V.
Identifiers: ClinVar variation 4020088 (VCV004020088.1).
Genomic context (GRCh38, chr12:11,890,991, plus strand): 5'-TCTTCCAAAGGTTTATGAAAACCCCAGATGAAATCATGAGTGGCCGAACAGACCGTCTGG[A>T]GCACCTAGAGTCCCAGGAGCTGGATGAACAAATATACCAAGAAGATGAATGCTGAAGGAA-3'
Protein context (NP_001978.1, residues 425-445): EIMSGRTDRL[Glu435Val]HLESQELDEQ